The following is an entry in ClinVar:

ClinVar aggregate classification (germline): Uncertain significance (1 of 4 stars; one submission).

Conditions:
Granulomatous disease, chronic, autosomal recessive, cytochrome b-positive, type 3. Also called: CGD, AUTOSOMAL RECESSIVE CYTOCHROME b-POSITIVE, TYPE III; GRANULOMATOUS DISEASE, CHRONIC, AUTOSOMAL RECESSIVE, 3; GRANULOMATOUS DISEASE, CHRONIC, DUE TO NCF4 DEFICIENCY; Granulomatous disease, chronic, autosomal recessive, cytochrome b-positive, type III. Identifiers: Orphanet 379, MedGen C3151409, MONDO:0013507, OMIM 613960.

Allele frequency attached by ClinVar (database versions not stated): gnomAD exomes 0.00001 and below 0.00001; TOPMed below 0.00001; ExAC 0.00001.
gnomAD v4.1: 4 of 1,613,472 alleles (0.00025%); highest among the groups gnomAD compares: Admixed American, 0.005%; no homozygotes.

Submission:

Labcorp Genetics (formerly Invitae), Labcorp
Classification: Uncertain significance for Granulomatous disease, chronic, autosomal recessive, cytochrome b-positive, type 3. Last evaluated: 2022-04-09. Review status: criteria provided, single submitter. Criteria: Invitae Variant Classification Sherloc (09022015). Collection method: clinical testing. Allele origin: germline.
Comment: This sequence change replaces serine, which is neutral and polar, with glycine, which is neutral and non-polar, at codon 77 of the NCF4 protein (p.Ser77Gly). This variant is present in population databases (rs777426455, gnomAD 0.003%). This variant has not been reported in the literature in individuals affected with NCF4-related conditions. ClinVar contains an entry for this variant (Variation ID: 852015). Algorithms developed to predict the effect of missense changes on protein structure and function (SIFT, PolyPhen-2, Align-GVGD) all suggest that this variant is likely to be tolerated. In summary, the available evidence is currently insufficient to determine the role of this variant in disease. Therefore, it has been classified as a Variant of Uncertain Significance.

NM_000631.5(NCF4):c.229A>G (p.Ser77Gly)

Genes: NCF4-AS1 (NCF4 antisense RNA 1; minus strand), NCF4 (neutrophil cytosolic factor 4; plus strand). Cytogenetic location: 22q12.3.
Variant type: single nucleotide variant.
Coding change: c.229A>G on transcript NM_000631.5 (MANE Select); coding-DNA position 229, A replaced by G.
Protein change: p.Ser77Gly; replaces serine 77 with glycine.
Molecular consequence: missense variant.
Genome position (GRCh38, 1-based): chr22:36,865,030, A>G. VCF-style: chr22-36865030-A-G. GRCh37 (hg19) VCF-style: chr22-37261072-A-G.
Other names: c.229A>G, p.Ser77Gly (NM_013416.4); short protein forms S77G.
Identifiers: ClinVar variation 852015 (VCV000852015.7), dbSNP rs777426455, ClinGen allele CA10212895.